The following is an entry in ClinVar:

NM_000330.4(RS1):c.637C>T (p.Arg213Trp)

Genes: CDKL5 (cyclin dependent kinase like 5; plus strand), RS1 (retinoschisin 1; minus strand). Cytogenetic location: Xp22.13.
Variant type: single nucleotide variant.
Coding change: c.637C>T on transcript NM_000330.4 (MANE Select); coding-DNA position 637, C replaced by T.
Protein change: p.Arg213Trp; replaces arginine 213 with tryptophan.
Molecular consequence: missense variant. On other transcripts: intron variant (2).
Genome position (GRCh38, 1-based): chrX:18,642,042, G>A on the plus strand (C>T on the coding strand, the complement: RS1 is on the minus strand). VCF-style: chrX-18642042-G-A. GRCh37 (hg19) VCF-style: chrX-18660162-G-A.
Other names: NM_000330.4(RS1):c.637C>T; c.637C>T (LRG_702t1); c.2714-3965G>A (NM_003159.3, NM_001037343.2); short protein forms R213W.
Identifiers: ClinVar variation 99009 (VCV000099009.19), dbSNP rs281865365, ClinGen allele CA226830.
Genomic context (GRCh38, chrX:18,642,042, plus strand): 5'-AGGCGCCGAGCTGAGGCAGGCATCAGGCACACTTGCTGACGCACTCCAGCAGCTCCATCC[G>A]GATGGCAATGCGGACGTGCCAGCCCAGCGGGATGAGGCGGATGAAGCGGGAGATGATGGG-3'
Protein context (NP_000321.1, residues 203-223): PLGWHVRIAI[Arg213Trp]MELLECVSKC

ClinVar aggregate classification (germline): Pathogenic. Review status: reviewed by expert panel (3 of 4 stars). 12 submissions from 12 submitters: Pathogenic (1). 11 of the submissions do not count toward it. Last evaluated 2026-09-26.

Conditions:
RS1-related disorder. Also called: RS1-related condition.
Retinal dystrophy. Also called: Inherited retinal dystrophy. Identifiers: Orphanet 71862, MedGen C0854723, MeSH D058499, MONDO:0019118, HP:0000556.
Juvenile retinoschisis (RS1). Also called: X-Linked Juvenile Retinoschisis; X-linked retinoschisis. Identifiers: Orphanet 792, MedGen C3714753, MONDO:0010725, OMIM 312700.
Developmental and epileptic encephalopathy, 2 (DEE2). Also called: CDKL5 deficiency disorder; INFANTILE SPASM SYNDROME, X-LINKED 2. Identifiers: Orphanet 1934, Orphanet 3451, Orphanet 505652, MedGen C4750718, MONDO:0010396, OMIM 300672.

Submissions (12):

ClinGen X-linked Inherited Retinal Disease Variant Curation Expert Panel, ClinGen
Classification: Pathogenic for Juvenile retinoschisis. Last evaluated: 2026-09-26. Review status: reviewed by expert panel. Criteria: ClinGen X LinkedIRD ACMG Specifications RS1 V1.0.0. Collection method: curation. Allele origin: germline. Inheritance: X-linked inheritance.
Comment: The NM_000330.4(RS1):c.637C>T (p.Arg213Trp) variant is a missense variant encoding the substitution of Arginine and Tryptophane at amino acid 213. This variant is absent from hemizygous individuals in gnomAD v4.1.0 (PM2_Supporting). The computational predictor REVEL gives a score of 0.967, which is above the ClinGen X-linked IRD VCEP threshold of >0.932 and predicts a damaging effect on RS1 function (PP3_strong). The computational splicing predictor SpliceAI gives a delta score of 0.01 for acceptor gain, which is below the ClinGen X-linked IRD VCEP threshold of >0.2 and does not predict that the variant disrupts RS1 splicing. COS-7 cells exogenously expressing the variant exhibit loss of RS1 secretion into the medium relative to the wild-type control (PMID: 12417531, PS3_Supporting). This variant has been reported in at least 7 apparently unrelated probands meeting the PS4 requirement of a male diagnosed with XLRS (PMIDs: 10458173, 17987333, 17515881, 19390641, 20806044, 20151283, 29739629, PS4). The variant has been reported to segregate with retinal dystrophy through >3 meioses in two families (PP1_Strong; PMIDs: 10458173, 20806044). In summary, this variant is classified as pathogenic for X-linked retinoschisis based on the ClinGen X-linked Inherited Retinal Disease Expert Panel Specifications to the ACMG/AMP Variant Interpretation Guidelines for RS1 Version 1.0.0: PM2_Supporting, PP3_Strong, PS3_Supporting, PS4, and PP1_Strong.

Labcorp Genetics (formerly Invitae), Labcorp
Classification: Pathogenic. Last evaluated: 2025-10-21. Review status: criteria provided, single submitter. Criteria: Invitae Variant Classification Sherloc (09022015). Collection method: clinical testing. Allele origin: germline. Not counted in ClinVar's aggregate classification.
Comment: This sequence change replaces arginine, which is basic and polar, with tryptophan, which is neutral and slightly polar, at codon 213 of the RS1 protein (p.Arg213Trp). This variant is not present in population databases (gnomAD no frequency). This missense change has been observed in individuals with X-linked retinoschisis (PMID: 9618178, 17515881, 19390641, 20061330, 20806044). It has also been observed to segregate with disease in related individuals. ClinVar contains an entry for this variant (Variation ID: 99009). Invitae Evidence Modeling of protein sequence and biophysical properties (such as structural, functional, and spatial information, amino acid conservation, physicochemical variation, residue mobility, and thermodynamic stability) indicates that this missense variant is expected to disrupt RS1 protein function with a positive predictive value of 95%. Experimental studies have shown that this missense change affects RS1 function (PMID: 12417531, 20809529). This variant disrupts the p.Arg213 amino acid residue in RS1. Other variant(s) that disrupt this residue have been determined to be pathogenic (PMID: 9760195, 17615541, 19324861, 19390641). This suggests that this residue is clinically significant, and that variants that disrupt this residue are likely to be disease-causing. For these reasons, this variant has been classified as Pathogenic.

Natera, Inc.
Classification: Pathogenic for X-linked retinoschisis. Last evaluated: 2025-06-02. Review status: criteria provided, single submitter. Criteria: Natera Variant Classification Schema (03/2026). Collection method: clinical testing. Allele origin: germline. Not counted in ClinVar's aggregate classification.
Comment: The c.637C>T variant in RS1 is a missense variant predicted to cause substitution of arginine to tryptophan at amino acid 213. This variant is rare in the general population with a frequency below the threshold expected for the associated phenotype(s). This variant has been observed in affected individual(s) with monoallelic occurrence (heterozygous/hemizygous) (PMID: 20806044, 25796216, 17515881). Additionally, this variant has been observed to segregate in affected family members (PMID: 20806044, 9618178, 21701876). Functional studies show that this variant may disrupt protein function (PMID: 12417531). A different variant at the same position has been determined to be Pathogenic or Likely Pathogenic. Computational prediction algorithms indicate this variant is likely to affect gene or protein function. Given the available evidence, this variant is classified as Pathogenic.

3billion
Classification: Pathogenic for Juvenile retinoschisis. Last evaluated: 2024-12-23. Review status: criteria provided, single submitter. Criteria: ACMG Guidelines, 2015. Collection method: clinical testing. Allele origin: germline. Affected: yes. Not counted in ClinVar's aggregate classification.
Comment: The variant is not observed in the gnomAD v4.1.0 dataset. Predicted Consequence/Location: The variant is located in a mutational hot spot and/or well-established functional domain in which established pathogenic variants have been reported. In silico tool predictions suggest damaging effect of the variant on gene or gene product [REVEL: 0.97 (>=0.6, sensitivity 0.68 and specificity 0.92); 3Cnet: 0.96 (>=0.6, sensitivity 0.72 and precision 0.9)]. The same nucleotide change resulting in the same amino acid change has been previously reported as pathogenic/likely pathogenic with strong evidence (ClinVar ID: VCV000099009 /PMID: 9618178). Different missense changes at the same codon (p.Arg213Gln, p.Arg213Leu) have been reported as pathogenic/likely pathogenic with strong evidence (ClinVar ID: VCV000099010, VCV001067041 /PMID: 9760195). Therefore, this variant is classified as Pathogenic according to the recommendation of ACMG/AMP guideline.

Blueprint Genetics
Classification: Pathogenic for RS1-related disorders. Last evaluated: 2024-08-08. Review status: criteria provided, single submitter. Criteria: ACMG Guidelines, 2015. Collection method: clinical testing. Allele origin: germline. Affected: yes. Observed: 5 variant alleles. Not counted in ClinVar's aggregate classification.

Baylor Genetics
Classification: Pathogenic for Juvenile retinoschisis. Last evaluated: 2023-09-19. Review status: criteria provided, single submitter. Criteria: ACMG Guidelines, 2015. Collection method: clinical testing. Allele origin: unknown. Not counted in ClinVar's aggregate classification.

Women's Health and Genetics/Laboratory Corporation of America, LabCorp
Classification: Pathogenic for Juvenile retinoschisis. Last evaluated: 2023-05-22. Review status: criteria provided, single submitter. Criteria: LabCorp Variant Classification Summary - May 2015. Collection method: clinical testing. Allele origin: germline. Not counted in ClinVar's aggregate classification.
Comment: Variant summary: RS1 c.637C>T (p.Arg213Trp) results in a non-conservative amino acid change located in the Coagulation factor 5/8 C-terminal domain (IPR000421) of the encoded protein sequence. Five of five in-silico tools predict a damaging effect of the variant on protein function. The variant was absent in 183100 control chromosomes (gnomAD). c.637C>T has been reported in the literature in multiple individuals affected with Juvenile Retinoschisis, including pedigrees showing segregation with disease within families (e.g. Retinoschisis Consortium_1998, Xu_2010). These data indicate that the variant is very likely to be associated with disease. Experimental evidence using transiently transfected COS-7 cells showed that the variant protein is misfolded and retained within the ER (e.g. Wang_2002, Vijayasarathy_2010). The following publications have been ascertained in the context of this evaluation (PMID: 20809529, 12417531, 20806044, 9618178). Three ClinVar submitters have assessed the variant since 2014: all three classified the variant as pathogenic. Based on the evidence outlined above, the variant was classified as pathogenic.

Equipe Genetique des Anomalies du Developpement, Université de Bourgogne
Classification: Pathogenic for Juvenile retinoschisis. Last evaluated: 2021-10-28. Review status: criteria provided, single submitter. Criteria: ACMG Guidelines, 2015. Collection method: clinical testing. Allele origin: unknown. Affected: yes. Not counted in ClinVar's aggregate classification.

GeneDx
Classification: Pathogenic. Last evaluated: 2021-06-16. Review status: criteria provided, single submitter. Criteria: GeneDx Variant Classification Process June 2021. Collection method: clinical testing. Allele origin: germline. Affected: yes. Not counted in ClinVar's aggregate classification.
Comment: Published functional studies demonstrate that the R213W variant causes conformation changes of the protein, leading to instability, intracellular retention, and defective secretion (Wang et al., 2006; Vijaysarathy et al., 2010); Not observed at significant frequency in large population cohorts (Lek et al., 2016); In silico analysis supports that this missense variant has a deleterious effect on protein structure/function; This variant is associated with the following publications: (PMID: 16361673, 20809529, 27932860, 20061330, 12417531, 20151283, 20806044, 9618178, 26823236, 28272453, 27535533, 33090715)

Institute of Human Genetics, Univ. Regensburg, Univ. Regensburg
Classification: Pathogenic for Retinal dystrophy. Last evaluated: 2020-01-01. Review status: criteria provided, single submitter. Criteria: ACMG Guidelines, 2015. Collection method: clinical testing. Allele origin: germline. Affected: yes. Not counted in ClinVar's aggregate classification.

Solve-RD Consortium
Classification: Likely pathogenic for Developmental and epileptic encephalopathy, 2. Last evaluated: 2022-06-01. Review status: no assertion criteria provided. Collection method: provider interpretation. Allele origin: inherited. Affected: yes. Not counted in ClinVar's aggregate classification.
Comment: Variant confirmed as disease-causing by referring clinical team

Variant identified during reanalysis of unsolved cases by the Solve-RD project. The Solve-RD project has received funding from the European Union’s Horizon 2020 research and innovation programme under grant agreement No 779257.

Retina International
No classification provided. Review status: no classification provided. Collection method: not provided. Allele origin: unknown. Not counted in ClinVar's aggregate classification.

Literature cited by the submitters: PubMed 9618178 (cited by 4 submitters); PubMed 17515881 (cited by Labcorp Genetics (formerly Invitae), Labcorp and Natera, Inc.); PubMed 19390641 (cited by Labcorp Genetics (formerly Invitae), Labcorp); PubMed 20061330 (cited by Labcorp Genetics (formerly Invitae), Labcorp and Institute of Human Genetics, Univ. Regensburg, Univ. Regensburg); PubMed 20806044 (cited by 4 submitters); PubMed 12417531 (cited by 4 submitters); PubMed 20809529 (cited by 3 submitters); PubMed 9760195 (cited by Labcorp Genetics (formerly Invitae), Labcorp and 3billion); PubMed 17615541 (cited by Labcorp Genetics (formerly Invitae), Labcorp); PubMed 19324861 (cited by Labcorp Genetics (formerly Invitae), Labcorp); PubMed 25796216 (cited by Natera, Inc.); PubMed 21701876 (cited by Natera, Inc.); PubMed 16361673 (cited by Institute of Human Genetics, Univ. Regensburg, Univ. Regensburg); PubMed 20151283 (cited by Institute of Human Genetics, Univ. Regensburg, Univ. Regensburg); PubMed 33090715 (cited by Institute of Human Genetics, Univ. Regensburg, Univ. Regensburg); PubMed 34828422 (cited by Institute of Human Genetics, Univ. Regensburg, Univ. Regensburg); PubMed 35456481 (cited by Institute of Human Genetics, Univ. Regensburg, Univ. Regensburg); PubMed 36377647 (cited by Institute of Human Genetics, Univ. Regensburg, Univ. Regensburg); PubMed 34822951 (cited by Institute of Human Genetics, Univ. Regensburg, Univ. Regensburg); PubMed 34624300 (cited by Institute of Human Genetics, Univ. Regensburg, Univ. Regensburg); PubMed 36460718 (cited by Institute of Human Genetics, Univ. Regensburg, Univ. Regensburg); PubMed 34645606 (cited by Institute of Human Genetics, Univ. Regensburg, Univ. Regensburg); PubMed 39825153 (cited by Solve-RD Consortium).